The following is an entry in ClinVar:

ClinVar aggregate classification (germline): Likely benign. Review status: criteria provided, multiple submitters, no conflicts (2 of 4 stars). 3 submissions from 3 submitters: Likely benign (3). Last evaluated 2025-03-27.

Conditions:
Peutz-Jeghers syndrome (PJS). Also called: Peutz-Jeghers polyposis; Periorificial lentiginosis syndrome; POLYPOSIS, HAMARTOMATOUS INTESTINAL; POLYPS-AND-SPOTS SYNDROME. Identifiers: Orphanet 2869, MedGen C0031269, MeSH D010580, MONDO:0008280, OMIM 175200.

Allele frequency attached by ClinVar (database versions not stated): gnomAD exomes below 0.00001.

Submissions (3):

Myriad Genetics, Inc.
Classification: Likely benign for Peutz-Jeghers syndrome. Last evaluated: 2025-03-27. Review status: criteria provided, single submitter. Criteria: Myriad Autosomal Dominant, Autosomal Recessive and X-Linked Classification Criteria (2023). Collection method: clinical testing. Allele origin: unknown.
Comment: This variant is considered likely benign. This variant is intronic and is not expected to impact mRNA splicing.

All of Us Research Program, National Institutes of Health
Classification: Likely benign for Peutz-Jeghers syndrome. Last evaluated: 2023-05-04. Review status: criteria provided, single submitter. Criteria: ACMG Guidelines, 2015. Collection method: clinical testing. Allele origin: germline. Inheritance: Autosomal dominant inheritance. Observed: 1 variant allele, 1 heterozygote.
Comment: This study involves interpretation of variants in research participants for the purpose of population health screening. Participant phenotype was not available at the time of variant classification. Additional details can be found in publication PMID: 35346344, PMCID: PMC8962531

Labcorp Genetics (formerly Invitae), Labcorp
Classification: Likely benign for Peutz-Jeghers syndrome. Last evaluated: 2021-08-07. Review status: criteria provided, single submitter. Criteria: Invitae Variant Classification Sherloc (09022015). Collection method: clinical testing. Allele origin: germline.

NM_000455.5(STK11):c.735-15C>T

Gene: STK11 (serine/threonine kinase 11; plus strand). Cytogenetic location: 19p13.3.
Variant type: single nucleotide variant.
Coding change: c.735-15C>T on transcript NM_000455.5 (MANE Select); 15 bases into the intron before coding-DNA position 735, C replaced by T.
Molecular consequence: intron variant.
Genome position (GRCh38, 1-based): chr19:1,221,198, C>T. VCF-style: chr19-1221198-C-T. GRCh37 (hg19) VCF-style: chr19-1221197-C-T.
Identifiers: ClinVar variation 1563284 (VCV001563284.10), dbSNP rs1217952204, ClinGen allele CA631032738.